The following is an entry in ClinVar:

ClinVar aggregate classification (germline): Uncertain significance. Review status: criteria provided, multiple submitters, no conflicts (2 of 4 stars). 4 submissions from 4 submitters: Uncertain significance (3). 1 of the submissions does not count toward it. Last evaluated 2025-10-23.

Conditions:
VPS13B-related disorder. Also called: VPS13B-related condition.
Inborn genetic diseases. Identifiers: MedGen C0950123, MeSH D030342.
Cohen syndrome (COH1). Also called: PEPPER SYNDROME; Cutis verticis gyrata, retinitis pigmentosa, and sensorineural deafness. Identifiers: Orphanet 193, MedGen C0265223, MONDO:0008999, OMIM 216550.

Allele frequency attached by ClinVar (database versions not stated): gnomAD exomes 0.00001; ExAC 0.00005; TOPMed 0.00007; ESP Exome Variant Server 0.00008; gnomAD 0.00009; 1000 Genomes Project 30x 0.00016; 1000 Genomes Project 0.00020.
gnomAD v4.1: 24 of 1,614,000 alleles (0.0015%); highest among the groups gnomAD compares: African/African-American, 0.027%; no homozygotes.

Submissions (4):

Ambry Genetics
Classification: Uncertain significance for Inborn genetic diseases. Last evaluated: 2025-10-23. Review status: criteria provided, single submitter. Criteria: Ambry Variant Classification Scheme 2023. Collection method: clinical testing. Allele origin: germline.

Mayo Clinic Laboratories, Mayo Clinic
Classification: Uncertain significance. Last evaluated: 2024-09-23. Review status: criteria provided, single submitter. Criteria: ACMG Guidelines, 2015. Collection method: clinical testing. Allele origin: germline. Observed: 1 variant allele.
Comment: BP1

Labcorp Genetics (formerly Invitae), Labcorp
Classification: Uncertain significance for Cohen syndrome. Last evaluated: 2022-09-27. Review status: criteria provided, single submitter. Criteria: Invitae Variant Classification Sherloc (09022015). Collection method: clinical testing. Allele origin: germline.
Comment: This sequence change replaces phenylalanine, which is neutral and non-polar, with leucine, which is neutral and non-polar, at codon 2690 of the VPS13B protein (p.Phe2690Leu). This variant is present in population databases (rs149017920, gnomAD 0.05%). This variant has not been reported in the literature in individuals affected with VPS13B-related conditions. Advanced modeling of protein sequence and biophysical properties (such as structural, functional, and spatial information, amino acid conservation, physicochemical variation, residue mobility, and thermodynamic stability) performed at Invitae indicates that this missense variant is expected to disrupt VPS13B protein function. In summary, the available evidence is currently insufficient to determine the role of this variant in disease. Therefore, it has been classified as a Variant of Uncertain Significance.

PreventionGenetics, part of Exact Sciences
Classification: Uncertain significance for VPS13B-related condition. Last evaluated: 2024-01-30. Review status: no assertion criteria provided. Collection method: clinical testing. Allele origin: germline. Not counted in ClinVar's aggregate classification.
Comment: The VPS13B c.7995C>G variant is predicted to result in the amino acid substitution p.Phe2665Leu. To our knowledge, this variant has not been reported in the literature. This variant is reported in 0.048% of alleles in individuals of African descent in gnomAD. At this time, the clinical significance of this variant is uncertain due to the absence of conclusive functional and genetic evidence.

NM_152564.5(VPS13B):c.7995C>G (p.Phe2665Leu)

Gene: VPS13B (vacuolar protein sorting 13 homolog B; plus strand). Cytogenetic location: 8q22.2.
Variant type: single nucleotide variant.
Coding change: c.7995C>G on transcript NM_152564.5 (MANE Select); coding-DNA position 7995, C replaced by G.
Protein change: p.Phe2665Leu; replaces phenylalanine 2665 with leucine.
Molecular consequence: missense variant.
Genome position (GRCh38, 1-based): chr8:99,809,428, C>G. VCF-style: chr8-99809428-C-G. GRCh37 (hg19) VCF-style: chr8-100821656-C-G.
Other names: p.Phe2690Leu; c.8070C>G (NM_017890.3); c.8070C>G, p.Phe2690Leu (NM_017890.5); short protein forms F2665L, F2690L.
Identifiers: ClinVar variation 2414498 (VCV002414498.7), dbSNP rs149017920, ClinGen allele CA4824361.